The following is an entry in ClinVar:

NM_024513.4(FYCO1):c.*3725A>G

Gene: FYCO1 (FYVE and coiled-coil domain autophagy adaptor 1; minus strand). Cytogenetic location: 3p21.31.
Variant type: single nucleotide variant.
Coding change: c.*3725A>G on transcript NM_024513.4 (MANE Select); 3725 bases downstream of the stop codon, A replaced by G.
Molecular consequence: 3 prime UTR variant.
Genome position (GRCh38, 1-based): chr3:45,918,040, T>C on the plus strand (A>G on the coding strand, the complement: FYCO1 is on the minus strand). VCF-style: chr3-45918040-T-C. GRCh37 (hg19) VCF-style: chr3-45959532-T-C.
Identifiers: ClinVar variation 345436 (VCV000345436.5), dbSNP rs547425913, ClinGen allele CA10616592.

ClinVar aggregate classification (germline): Likely benign (1 of 4 stars; one submission).

Conditions:
Cataract 18 (CATC2). Also called: CATARACT 18, AUTOSOMAL RECESSIVE. Identifiers: Orphanet 91492, Orphanet 98991, Orphanet 98992, Orphanet 98995, MedGen C1864908, MONDO:0012395, OMIM 610019.

Allele frequency attached by ClinVar (database versions not stated): 1000 Genomes Project 0.00060; 1000 Genomes Project 30x 0.00062; TOPMed 0.00329; gnomAD 0.00375 and 0.00387; gnomAD exomes 0.00463.
gnomAD v4.1: 570 of 152,754 alleles (0.37%); highest among the groups gnomAD compares: Non-Finnish European, 0.6%; 2 homozygotes.

Submission:

Illumina Laboratory Services, Illumina
Classification: Likely benign for Cataract 18. Last evaluated: 2018-01-13. Review status: criteria provided, single submitter. Criteria: ICSL Variant Classification Criteria 13 December 2019. Collection method: clinical testing. Allele origin: germline.
Comment: This variant was observed in the ICSL laboratory as part of a predisposition screen in an ostensibly healthy population. It had not been previously curated by ICSL or reported in the Human Gene Mutation Database (HGMD: prior to June 1st, 2018), and was therefore a candidate for classification through an automated scoring system. Utilizing variant allele frequency, disease prevalence and penetrance estimates, and inheritance mode, an automated score was calculated to assess if this variant is too frequent to cause the disease. Based on the score and internal cut-off values, a variant classified as likely benign is not then subjected to further curation. The score for this variant resulted in a classification of likely benign for this disease.